The following is an entry in ClinVar:

NM_032498.3(RHOXF2):c.282C>T (p.Leu94=)

Gene: RHOXF2 (Rhox homeobox family member 2; plus strand). Cytogenetic location: Xq24.
Variant type: single nucleotide variant.
Coding change: c.282C>T on transcript NM_032498.3 (MANE Select); coding-DNA position 282, C replaced by T.
Protein change: p.Leu94=; no amino-acid change (leucine 94 retained).
Molecular consequence: synonymous variant.
Genome position (GRCh38, 1-based): chrX:120,159,217, C>T. VCF-style: chrX-120159217-C-T. GRCh37 (hg19) VCF-style: chrX-119293123-C-T.
Identifiers: ClinVar variation 2661316 (VCV002661316.24), dbSNP rs140903249, ClinGen allele CA10504247.

ClinVar aggregate classification (germline): Likely benign (1 of 4 stars; one submission).

Allele frequency attached by ClinVar (database versions not stated): 1000 Genomes Project 30x 0.00021; ExAC 0.00056; gnomAD 0.00064; ESP Exome Variant Server 0.00114; gnomAD exomes 0.00122.
gnomAD v4.1: 1,413 of 1,205,265 alleles (0.12%); highest among the groups gnomAD compares: Non-Finnish European, 0.15%; 8 homozygotes.

Submission:

CeGaT Center for Human Genetics Tuebingen
Classification: Likely benign. Last evaluated: 2022-10-01. Review status: criteria provided, single submitter. Criteria: CeGaT Center For Human Genetics Tuebingen Variant Classification Criteria Version 2. Collection method: clinical testing. Allele origin: germline. Affected: yes. Observed: 1 variant allele.
Comment: RHOXF2: BP4, BP7